The following is an entry in ClinVar:

NM_001190.4(BCAT2):c.412-14A>G

Gene: BCAT2 (branched chain amino acid transaminase 2; minus strand). Cytogenetic location: 19q13.33.
Variant type: single nucleotide variant.
Coding change: c.412-14A>G on transcript NM_001190.4 (MANE Select); 14 bases into the intron before coding-DNA position 412, A replaced by G.
Molecular consequence: intron variant.
Genome position (GRCh38, 1-based): chr19:48,800,114, T>C on the plus strand (A>G on the coding strand, the complement: BCAT2 is on the minus strand). VCF-style: chr19-48800114-T-C. GRCh37 (hg19) VCF-style: chr19-49303371-T-C.
Other names: c.136-14A>G (NM_001164773.2); c.292-14A>G (NM_001284325.2).
Identifiers: ClinVar variation 1990189 (VCV001990189.1), dbSNP rs768134946, ClinGen allele CA9558422.

ClinVar aggregate classification (germline): Uncertain significance (1 of 4 stars; one submission).

Allele frequency attached by ClinVar (database versions not stated): ExAC 0.00002; TOPMed 0.00002; gnomAD 0.00003; gnomAD exomes 0.00001.
gnomAD v4.1: 17 of 1,613,638 alleles (0.0011%); highest among the groups gnomAD compares: Non-Finnish European, 0.0014%; no homozygotes.

Submission:

Labcorp Genetics (formerly Invitae), Labcorp
Classification: Uncertain significance. Last evaluated: 2022-08-03. Review status: criteria provided, single submitter. Criteria: Invitae Variant Classification Sherloc (09022015). Collection method: clinical testing. Allele origin: germline.
Comment: This sequence change falls in intron 4 of the BCAT2 gene. It does not directly change the encoded amino acid sequence of the BCAT2 protein. This variant is present in population databases (rs768134946, gnomAD 0.004%). This variant has not been reported in the literature in individuals affected with BCAT2-related conditions. Algorithms developed to predict the effect of sequence changes on RNA splicing suggest that this variant may disrupt the consensus splice site. In summary, the available evidence is currently insufficient to determine the role of this variant in disease. Therefore, it has been classified as a Variant of Uncertain Significance.